The following is an entry in ClinVar:

ClinVar aggregate classification (germline): Uncertain significance (1 of 4 stars; one submission).

Submission:

Dasa
Classification: Uncertain significance. Last evaluated: 2026-02-02. Review status: criteria provided, single submitter. Criteria: DASA Assertion Criteria. Collection method: clinical testing. Allele origin: germline.
Comment: NM_014023.4(WDR37):c.839A>G (p.His280Arg) is a missense variant that results in the substitution of histidine with arginine. This variant is absent from population databases. Computational prediction algorithms are consistent with a deleterious effect. The currently available literature and clinical evidence are not sufficient to establish a definitive association between this variant and the reported condition. Therefore, this variant is classified as a variant of uncertain significance.

NM_014023.4(WDR37):c.839A>G (p.His280Arg)

Gene: WDR37 (WD repeat domain 37; plus strand). Cytogenetic location: 10p15.3.
Variant type: single nucleotide variant.
Coding change: c.839A>G on transcript NM_014023.4 (MANE Select); coding-DNA position 839, A replaced by G.
Protein change: p.His280Arg; replaces histidine 280 with arginine.
Molecular consequence: missense variant.
Genome position (GRCh38, 1-based): chr10:1,103,714, A>G. VCF-style: chr10-1103714-A-G. GRCh37 (hg19) VCF-style: chr10-1149654-A-G.
Other names: short protein forms H280R.
Identifiers: ClinVar variation 4880872 (VCV004880872.2).